The following is an entry in ClinVar:

NM_000292.3(PHKA2):c.929G>A (p.Arg310Gln)

Gene: PHKA2 (phosphorylase kinase regulatory subunit alpha 2; minus strand). Cytogenetic location: Xp22.13.
Variant type: single nucleotide variant.
Coding change: c.929G>A on transcript NM_000292.3 (MANE Select); coding-DNA position 929, G replaced by A.
Protein change: p.Arg310Gln; replaces arginine 310 with glutamine.
Molecular consequence: missense variant.
Genome position (GRCh38, 1-based): chrX:18,938,739, C>T on the plus strand (G>A on the coding strand, the complement: PHKA2 is on the minus strand). VCF-style: chrX-18938739-C-T. GRCh37 (hg19) VCF-style: chrX-18956857-C-T.
Other names: c.929G>A, p.Arg310Gln (NM_001440800.1, NM_001440801.1, NM_001440805.1); c.830G>A, p.Arg277Gln (NM_001440802.1, NM_001440803.1, NM_001440804.1); short protein forms R277Q, R310Q.
Identifiers: ClinVar variation 4853747 (VCV004853747.1).

ClinVar aggregate classification (germline): Uncertain significance (1 of 4 stars; one submission).

gnomAD v4.1: 4 of 1,204,566 alleles (0.00033%); highest among the groups gnomAD compares: East Asian, 0.0059%; no homozygotes.

Submission:

Women's Health and Genetics/Laboratory Corporation of America, LabCorp
Classification: Uncertain significance. Last evaluated: 2026-05-21. Review status: criteria provided, single submitter. Criteria: LabCorp Variant Classification Summary - May 2015. Collection method: clinical testing. Allele origin: germline.
Comment: Variant summary: PHKA2 c.929G>A (p.Arg310Gln) results in a conservative amino acid change in the encoded protein sequence. Algorithms developed to predict the effect of missense changes on protein structure and function are either unavailable or do not agree on the potential impact of this missense change. The variant was absent in 183448 control chromosomes. The available data on variant occurrences in the general population are insufficient to allow any conclusion about variant significance. c.929G>A has been observed in the hemizygous state in an individual affected with hyperinsulinemia, hypoglycemia and liver dysfunction (Fujita_2022). These data do not allow any conclusion about variant significance. To our knowledge, no experimental evidence demonstrating an impact on protein function has been reported. The following publication has been ascertained in the context of this evaluation (PMID: 35187381). No submitters have cited clinical-significance assessments for this variant to ClinVar. Based on the evidence outlined above, the variant was classified as uncertain significance.

Literature cited by the submitters: PubMed 35187381.